The following is an entry in ClinVar:

NM_018100.4(EFHC1):c.76C>T (p.His26Tyr)

Gene: EFHC1 (EF-hand domain containing 1; plus strand). Cytogenetic location: 6p12.2.
Variant type: single nucleotide variant.
Coding change: c.76C>T on transcript NM_018100.4 (MANE Select); coding-DNA position 76, C replaced by T.
Protein change: p.His26Tyr; replaces histidine 26 with tyrosine.
Molecular consequence: missense variant. On other transcripts: non-coding transcript variant (1).
Genome position (GRCh38, 1-based): chr6:52,423,958, C>T. VCF-style: chr6-52423958-C-T. GRCh37 (hg19) VCF-style: chr6-52288756-C-T.
Other names: c.19C>T, p.His7Tyr (NM_001172420.2); short protein forms H7Y, H26Y.
Identifiers: ClinVar variation 859506 (VCV000859506.49), dbSNP rs375322518, ClinGen allele CA3855664.

ClinVar aggregate classification (germline): Uncertain significance (1 of 4 stars; one submission).

Conditions:
Absence seizure. Also called: Absence epilepsy. Identifiers: Orphanet 1941, MedGen C0014553.
Myoclonic epilepsy, juvenile, susceptibility to, 1. Also called: Myoclonic Epilepsy, Juvenile, 1; EJM1. Identifiers: MedGen C1850778, MONDO:0020752, OMIM 254770.

Allele frequency attached by ClinVar (database versions not stated): gnomAD 0.00001 and 0.00002; gnomAD exomes 0.00001; ExAC 0.00002; TOPMed 0.00002; ESP Exome Variant Server 0.00008.
gnomAD v4.1: 13 of 1,613,810 alleles (0.00081%); highest among the groups gnomAD compares: African/African-American, 0.0027%; no homozygotes.

Submission:

Labcorp Genetics (formerly Invitae), Labcorp
Classification: Uncertain significance for Myoclonic epilepsy, juvenile, susceptibility to, 1; Absence seizure. Last evaluated: 2020-01-21. Review status: criteria provided, single submitter. Criteria: Invitae Variant Classification Sherloc (09022015). Collection method: clinical testing. Allele origin: germline.
Comment: This sequence change replaces histidine with tyrosine at codon 26 of the EFHC1 protein (p.His26Tyr). The histidine residue is highly conserved and there is a moderate physicochemical difference between histidine and tyrosine. This variant is present in population databases (rs375322518, ExAC 0.01%). This variant has not been reported in the literature in individuals with EFHC1-related conditions. Algorithms developed to predict the effect of missense changes on protein structure and function (SIFT, PolyPhen-2, Align-GVGD) all suggest that this variant is likely to be disruptive, but these predictions have not been confirmed by published functional studies and their clinical significance is uncertain. In summary, the available evidence is currently insufficient to determine the role of this variant in disease. Therefore, it has been classified as a Variant of Uncertain Significance.